The following is an entry in ClinVar:

ClinVar aggregate classification (germline): Uncertain significance (1 of 4 stars; one submission).

Conditions:
Familial adenomatous polyposis 2. Also called: FAP type 2; MUTYH Polyposis; COLORECTAL ADENOMATOUS POLYPOSIS, AUTOSOMAL RECESSIVE; ADENOMAS, MULTIPLE COLORECTAL, AUTOSOMAL RECESSIVE; MUTYH-associated polyposis; MUTYH-related attenuated familial adenomatous polyposis. Identifiers: Orphanet 220460, Orphanet 247798, MedGen C3272841, MONDO:0012041, OMIM 608456.

Submission:

Labcorp Genetics (formerly Invitae), Labcorp
Classification: Uncertain significance for MYH-associated polyposis. Last evaluated: 2019-12-18. Review status: criteria provided, single submitter. Criteria: Invitae Variant Classification Sherloc (09022015). Collection method: clinical testing. Allele origin: germline.
Comment: This variant results in a copy number gain of the genomic region encompassing the full coding sequence of the MUTYH gene. The boundaries of this event are unknown as they extend beyond the assayed region for this gene and therefore may encompass additional genes. As the precise location of this event is unknown, it may be in tandem or it may be located elsewhere in the genome. This variant has not been reported in the literature in individuals with MUTYH-related disease. ClinVar contains an entry for a similar whole gene copy number gain (Variation ID: 216516). In summary, the available evidence is currently insufficient to determine the role of this variant in disease. Therefore, it has been classified as a Variant of Uncertain Significance.

NC_000001.11:g.(?_45329306)_(45343656_?)dup

Genes: MUTYH (mutY DNA glycosylase; minus strand), TOE1 (target of EGR1, exonuclease; plus strand). Cytogenetic location: 1p34.1.
Variant type: Duplication.
Identifiers: ClinVar variation 831458 (VCV000831458.2).